The following is an entry in ClinVar:

NM_002890.3(RASA1):c.226_227delinsAT (p.Ser76Ile)

Gene: RASA1 (RAS p21 protein activator 1; plus strand). Cytogenetic location: 5q14.3.
Variant type: Indel.
Coding change: c.226_227delinsAT on transcript NM_002890.3 (MANE Select); coding-DNA positions 226 to 227, TC replaced by AT.
Protein change: p.Ser76Ile; replaces serine 76 with isoleucine.
Molecular consequence: missense variant.
Genome position (GRCh38, 1-based): chr5:87,268,677-87,268,678, TC replaced by AT. VCF-style: chr5-87268677-TC-AT. GRCh37 (hg19) VCF-style: chr5-86564494-TC-AT.
Other names: c.226_227delTCinsAT (NM_002890.3); short protein forms S76I.
Identifiers: ClinVar variation 1720566 (VCV001720566.8), dbSNP rs2531002667, ClinGen allele CA2580073669.
Genomic context (GRCh38, chr5:87,268,677, plus strand): 5'-GGAGTGGCTGGAACTCTGGGTGGCGGAGCCGCTTTGGGGTCAGAGTTCCTAGGAGCCGGG[TC>AT]TGTGGCAGGGGCACTGGGGGGAGCTGGACTGACAGGGGGAGGTACTGCTGCTGGCGTAGC-3'
Protein context (NP_002881.1, residues 66-86): ALGSEFLGAG[Ser76Ile]VAGALGGAGL

ClinVar aggregate classification (germline): Uncertain significance. Review status: criteria provided, multiple submitters, no conflicts (2 of 4 stars). 2 submissions from 2 submitters: Uncertain significance (2). Last evaluated 2022-07-14.

Conditions:
Cardiovascular phenotype. Identifiers: MedGen CN230736.
Capillary malformation-arteriovenous malformation syndrome. Also called: Capillary malformation-arteriovenous malformation. Identifiers: Orphanet 137667, MedGen C1842180, MONDO:0012016.

Submissions (2):

Labcorp Genetics (formerly Invitae), Labcorp
Classification: Uncertain significance for Capillary malformation-arteriovenous malformation syndrome. Last evaluated: 2022-07-14. Review status: criteria provided, single submitter. Criteria: Invitae Variant Classification Sherloc (09022015). Collection method: clinical testing. Allele origin: germline.
Comment: In summary, the available evidence is currently insufficient to determine the role of this variant in disease. Therefore, it has been classified as a Variant of Uncertain Significance. Algorithms developed to predict the effect of missense changes on protein structure and function are either unavailable or do not agree on the potential impact of this missense change (SIFT: "Not Available"; PolyPhen-2: "Benign"; Align-GVGD: "Not Available"). This variant has not been reported in the literature in individuals affected with RASA1-related conditions. Information on the frequency of this variant in the gnomAD database is not available, as this variant may be reported differently in the database. This sequence change replaces serine, which is neutral and polar, with isoleucine, which is neutral and non-polar, at codon 76 of the RASA1 protein (p.Ser76Ile).

Ambry Genetics
Classification: Uncertain significance for Cardiovascular phenotype. Last evaluated: 2017-05-31. Review status: criteria provided, single submitter. Criteria: Ambry Variant Classification Scheme 2023. Collection method: clinical testing. Allele origin: germline.
Comment: The c.226_227delTCinsAT variant (also known as p.S76I), located in coding exon 1 of the RASA1 gene, results from an in-frame deletion of TC and insertion of AT at nucleotide positions 226 to 227. This results in the substitution of the serine residue for an isoleucine residue at codon 76, an amino acid with dissimilar properties. This amino acid position is not well conserved in available vertebrate species. Since supporting evidence is limited at this time, the clinical significance of this alteration remains unclear.